The following is an entry in ClinVar:

ClinVar aggregate classification (germline): Uncertain significance (1 of 4 stars; one submission).

Conditions:
Hereditary cancer-predisposing syndrome. Also called: Neoplastic Syndromes, Hereditary; Tumor predisposition; Hereditary Cancer Syndrome; Hereditary neoplastic syndrome. Identifiers: Orphanet 140162, MedGen C0027672, MeSH D009386, MONDO:0015356.

gnomAD v4.1: 1 of 1,614,154 alleles (0.000062%); highest among the groups gnomAD compares: South Asian, 0.0011%; no homozygotes.

Submission:

Ambry Genetics
Classification: Uncertain significance for Hereditary cancer-predisposing syndrome. Last evaluated: 2024-08-17. Review status: criteria provided, single submitter. Criteria: Ambry Variant Classification Scheme 2023. Collection method: clinical testing. Allele origin: germline.
Comment: The p.S1588P variant (also known as c.4762T>C), located in coding exon 15 of the APC gene, results from a T to C substitution at nucleotide position 4762. The serine at codon 1588 is replaced by proline, an amino acid with similar properties. This amino acid position is conserved. In addition, in silico predictors for this gene do not accurately predict pathogenicity. Based on the available evidence, the clinical significance of this variant remains unclear.

NM_000038.6(APC):c.4762T>C (p.Ser1588Pro)

Gene: APC (APC regulator of Wnt signaling pathway; plus strand). Cytogenetic location: 5q22.2.
Variant type: single nucleotide variant.
Coding change: c.4762T>C on transcript NM_000038.6 (MANE Select); coding-DNA position 4762, T replaced by C.
Protein change: p.Ser1588Pro; replaces serine 1588 with proline.
Molecular consequence: missense variant. On other transcripts: non-coding transcript variant (2).
Genome position (GRCh38, 1-based): chr5:112,840,356, T>C. VCF-style: chr5-112840356-T-C. GRCh37 (hg19) VCF-style: chr5-112176053-T-C.
Other names: c.4762T>C, p.Ser1588Pro (NM_001127510.3, NM_001354895.2, NM_001407450.1); c.4708T>C, p.Ser1570Pro (NM_001127511.3); c.4816T>C, p.Ser1606Pro (NM_001354896.2, NM_001407447.1, NM_001407448.1 and 1 more transcripts); c.4792T>C, p.Ser1598Pro (NM_001354897.2); c.4687T>C, p.Ser1563Pro (NM_001354898.2); c.4678T>C, p.Ser1560Pro (NM_001354899.2); c.4639T>C, p.Ser1547Pro (NM_001354900.2); c.4585T>C, p.Ser1529Pro (NM_001354901.2, NM_001407453.1); and 11 more; short protein forms S1204P, S1547P, S1598P, S1616P, S1459P, S1487P, S1505P, S1529P.
Identifiers: ClinVar variation 3407666 (VCV003407666.1).
Genomic context (GRCh38, chr5:112,840,356, plus strand): 5'-GATGATGATGATATTGAAATACTAGAAGAATGTATTATTTCTGCCATGCCAACAAAGTCA[T>C]CACGTAAAGCAAAAAAGCCAGCCCAGACTGCTTCAAAATTACCTCCACCTGTGGCAAGGA-3'
Protein context (NP_000029.2, residues 1578-1598): CIISAMPTKS[Ser1588Pro]RKAKKPAQTA